The following is an entry in ClinVar:

ClinVar aggregate classification (germline): Pathogenic (1 of 4 stars; one submission).

Submission:

Quest Diagnostics Nichols Institute San Juan Capistrano
Classification: Pathogenic. Last evaluated: 2025-05-20. Review status: criteria provided, single submitter. Criteria: ACMG/ClinGen CNV Guidelines, 2019. Collection method: clinical testing. Allele origin: unknown.
Comment: This duplication involves at least 38 protein-coding genes, including TBX6 (OMIM 602427). This recurrent duplication is associated with the proximal (BP4-BP5) 16p11.2 microduplication syndromic region (OMIM 614671; ISCA-37400), which is characterized by various phenotypic features (Rein 2020, Taylor 2021). Inheritance from an unaffected or mildly affected parent has been reported. Therefore, based on gene content and current medical literature, this copy number variant (CNV) is classified as pathogenic, with reduced penetrance and variable expressivity. References: Rein et al., Trends Neurosci. 2020 Nov;43(11):886-901. PMID: 32993859 Taylor et al. 16p11.2 Recurrent Deletion. GeneReviews [updated 2021 Oct 28]. PMID: 20301775

GRCh37/hg19 16p11.2(chr16:29591078-30243606)x3

Genes: ALDOA (aldolase, fructose-bisphosphate A; plus strand), ASPHD1 (aspartate beta-hydroxylase domain containing 1; plus strand), BOLA2B (bolA family member 2B; minus strand), C16orf54 (chromosome 16 open reading frame 54; minus strand), C16orf92 (chromosome 16 open reading frame 92; plus strand) and 25 more. Cytogenetic location: 16p11.2.
Variant type: copy number gain.
Change: copy number 3 (three copies instead of two) of chr16:29,591,078-30,243,606 (652.5 kb, GRCh37 coordinates, 1-based), cytogenetic band 16p11.2.
Identifiers: ClinVar variation 564326 (VCV000564326.4).